The following is an entry in ClinVar:

ClinVar aggregate classification (germline): Uncertain significance (1 of 4 stars; one submission).

Conditions:
Amyotrophic lateral sclerosis (ALS). Also called: Charcot disease; Lou Gehrig disease. Identifiers: Orphanet 803, MedGen C0002736, MONDO:0004976, HP:0007354.

Allele frequency attached by ClinVar (database versions not stated): gnomAD exomes below 0.00001.
gnomAD v4.1: 2 of 1,614,126 alleles (0.00012%); highest among the groups gnomAD compares: Non-Finnish European, 0.00017%; no homozygotes.

Submission:

UM ALS/MND Lab, University Of Malta
Classification: Uncertain significance for Amyotrophic lateral sclerosis. Last evaluated: 2020-09-09. Review status: criteria provided, single submitter. Criteria: ACMG Guidelines, 2015. Collection method: case-control. Allele origin: unknown. Affected: yes. Observed: 1 variant allele.
Comment: Single heterozygote

NM_007204.5(DDX20):c.2237T>C (p.Leu746Ser)

Gene: DDX20 (DEAD-box helicase 20; plus strand). Cytogenetic location: 1p13.2.
Variant type: single nucleotide variant.
Coding change: c.2237T>C on transcript NM_007204.5 (MANE Select); coding-DNA position 2237, T replaced by C.
Protein change: p.Leu746Ser; replaces leucine 746 with serine.
Molecular consequence: missense variant.
Genome position (GRCh38, 1-based): chr1:111,766,661, T>C. VCF-style: chr1-111766661-T-C. GRCh37 (hg19) VCF-style: chr1-112309283-T-C.
Other names: short protein forms L746S.
Identifiers: ClinVar variation 981018 (VCV000981018.3), dbSNP rs1663787736, ClinGen allele CA341650179.